The following is an entry in ClinVar:

ClinVar aggregate classification (germline): Uncertain significance. Review status: criteria provided, multiple submitters, no conflicts (2 of 4 stars). 5 submissions from 5 submitters: Uncertain significance (5). Last evaluated 2025-10-17.

Conditions:
Hypertrophic cardiomyopathy. Also called: HYPERTROPHIC MYOCARDIOPATHY. Identifiers: Orphanet 217569, MedGen C0007194, MeSH D002312, MONDO:0005045, HP:0001639.
Cardiovascular phenotype. Identifiers: MedGen CN230736.
Cardiomyopathy (CMYO). Also called: Cardiomyopathies. Identifiers: Orphanet 167848, MedGen C0878544, MONDO:0004994, HP:0001638. Inheritance: Various modes of inheritance.

Allele frequency attached by ClinVar (database versions not stated): gnomAD exomes below 0.00001 and 0.00002; TOPMed below 0.00001; gnomAD 0.00001.
gnomAD v4.1: 31 of 1,610,416 alleles (0.0019%); highest among the groups gnomAD compares: Admixed American, 0.005%; no homozygotes.

Submissions (5):

Labcorp Genetics (formerly Invitae), Labcorp
Classification: Uncertain significance for Hypertrophic cardiomyopathy. Last evaluated: 2025-10-17. Review status: criteria provided, single submitter. Criteria: Invitae Variant Classification Sherloc (09022015). Collection method: clinical testing. Allele origin: germline.
Comment: This sequence change replaces arginine, which is basic and polar, with histidine, which is basic and polar, at codon 1120 of the MYBPC3 protein (p.Arg1120His). The frequency data for this variant in the population databases is considered unreliable, as metrics indicate poor data quality at this position in the gnomAD database. This variant has not been reported in the literature in individuals affected with MYBPC3-related conditions. ClinVar contains an entry for this variant (Variation ID: 921226). An algorithm developed to predict the effect of missense changes on protein structure and function outputs the following: PolyPhen-2: "Benign". The histidine amino acid residue is found in multiple mammalian species, which suggests that this missense change does not adversely affect protein function. In summary, the available evidence is currently insufficient to determine the role of this variant in disease. Therefore, it has been classified as a Variant of Uncertain Significance.

Ambry Genetics
Classification: Uncertain significance for Cardiovascular phenotype. Last evaluated: 2024-12-13. Review status: criteria provided, single submitter. Criteria: Ambry Variant Classification Scheme 2023. Collection method: clinical testing. Allele origin: germline.
Comment: The p.R1120H variant (also known as c.3359G>A), located in coding exon 31 of the MYBPC3 gene, results from a G to A substitution at nucleotide position 3359. The arginine at codon 1120 is replaced by histidine, an amino acid with highly similar properties. This amino acid position is conserved. In addition, the in silico prediction for this alteration is inconclusive. Based on the available evidence, the clinical significance of this variant remains unclear.

All of Us Research Program, National Institutes of Health
Classification: Uncertain significance for Hypertrophic cardiomyopathy. Last evaluated: 2024-07-20. Review status: criteria provided, single submitter. Criteria: ACMG Guidelines, 2015. Collection method: clinical testing. Allele origin: germline. Inheritance: Autosomal dominant inheritance. Observed: 4 variant alleles, 4 heterozygotes.
Comment: This missense variant replaces arginine with histidine at codon 1120 of the MYBPC3 protein. Computational prediction suggests that this variant may not impact protein structure and function (internally defined REVEL score threshold <= 0.5, PMID: 27666373). To our knowledge, functional studies have not been reported for this variant. This variant has not been reported in individuals affected with MYBPC3-related disorders in the literature. This variant has been identified in 1/241568 chromosomes in the general population by the Genome Aggregation Database (gnomAD). The available evidence is insufficient to determine the role of this variant in disease conclusively. Therefore, this variant is classified as a Variant of Uncertain Significance.

This study involves interpretation of variants in research participants for the purpose of population health screening. Participant phenotype was not available at the time of variant classification. Additional details can be found in publication PMID: 35346344, PMCID: PMC8962531

Color Diagnostics, LLC DBA Color Health
Classification: Uncertain significance for Cardiomyopathy. Last evaluated: 2024-03-06. Review status: criteria provided, single submitter. Criteria: ACMG Guidelines, 2015. Collection method: clinical testing. Allele origin: germline.
Comment: This missense variant replaces arginine with histidine at codon 1120 of the MYBPC3 protein. Computational prediction suggests that this variant may not impact protein structure and function (internally defined REVEL score threshold <= 0.5, PMID: 27666373). To our knowledge, functional studies have not been reported for this variant. This variant has not been reported in individuals affected with MYBPC3-related disorders in the literature. This variant has been identified in 1/241568 chromosomes in the general population by the Genome Aggregation Database (gnomAD). The available evidence is insufficient to determine the role of this variant in disease conclusively. Therefore, this variant is classified as a Variant of Uncertain Significance.

Phosphorus, Inc.
Classification: Uncertain significance. Last evaluated: 2022-01-14. Review status: criteria provided, single submitter. Criteria: ACMG Guidelines, 2015. Collection method: clinical testing. Allele origin: germline. Inheritance: Autosomal dominant inheritance.
Comment: This missense variant resulted in an amino acid substitution of arginine with histidine at codon 1120 of the MYBPC3 gene. The variant has occurred in GnomAD with a total MAF of 0.0004% and with the highest MAF of 0.0030% in the Latin American population. This position is conserved. In silico functional algorithm predicted with Polyphen calling it benign, and SIFT tolerated, but no functional studies were performed to confirm this prediction. This variant NM_000256.3(MYBPC3):c.3359G>A (p.Arg1120His) is present in the ClinVar database (ID: 921226). The variant has not occurred in the literature in the association with the disease. Considering that this is a rare variant, whose impact on protein and association with the disease are unknown, it has been classified as a Variant of Uncertain Significance.

NM_000256.3(MYBPC3):c.3359G>A (p.Arg1120His)

Gene: MYBPC3 (myosin binding protein C3; minus strand). Cytogenetic location: 11p11.2.
Variant type: single nucleotide variant.
Coding change: c.3359G>A on transcript NM_000256.3 (MANE Select); coding-DNA position 3359, G replaced by A.
Protein change: p.Arg1120His; replaces arginine 1120 with histidine.
Molecular consequence: missense variant.
Genome position (GRCh38, 1-based): chr11:47,332,945, C>T on the plus strand (G>A on the coding strand, the complement: MYBPC3 is on the minus strand). VCF-style: chr11-47332945-C-T. GRCh37 (hg19) VCF-style: chr11-47354496-C-T.
Other names: short protein forms R1120H.
Identifiers: ClinVar variation 921226 (VCV000921226.13), dbSNP rs1297036943, ClinGen allele CA053690.
Genomic context (GRCh38, chr11:47,332,945, plus strand): 5'-AAGACGCGGAAGTAGTAGCCATTGCCAATGATGAGCTCTGGCACCACGCAGTGGGTGCGG[C>T]GGTAATGCTCCAAGACGGTGAACCACTCCTGGGGGCAGGGAGGGAGGGGAGGCATCTCTG-3'
Protein context (NP_000247.2, residues 1110-1130): MEWFTVLEHY[Arg1120His]RTHCVVPELI